The following is an entry in ClinVar:

ClinVar aggregate classification (germline): Uncertain significance. Review status: criteria provided, multiple submitters, no conflicts (2 of 4 stars). 3 submissions from 3 submitters: Uncertain significance (3). Last evaluated 2025-12-22.

Conditions:
Inborn genetic diseases. Identifiers: MedGen C0950123, MeSH D030342.

Allele frequency attached by ClinVar (database versions not stated): gnomAD exomes 0.00001 and 0.00003; ExAC 0.00002; gnomAD 0.00002; TOPMed 0.00005.
gnomAD v4.1: 12 of 1,613,462 alleles (0.00074%); highest among the groups gnomAD compares: Admixed American, 0.017%; no homozygotes.

Submissions (3):

Ambry Genetics
Classification: Uncertain significance for Inborn genetic diseases. Last evaluated: 2025-12-22. Review status: criteria provided, single submitter. Criteria: Ambry Variant Classification Scheme 2023. Collection method: clinical testing. Allele origin: germline.

Labcorp Genetics (formerly Invitae), Labcorp
Classification: Uncertain significance. Last evaluated: 2025-08-15. Review status: criteria provided, single submitter. Criteria: Invitae Variant Classification Sherloc (09022015). Collection method: clinical testing. Allele origin: germline.
Comment: This sequence change replaces threonine, which is neutral and polar, with proline, which is neutral and non-polar, at codon 221 of the PROM1 protein (p.Thr221Pro). This variant is present in population databases (rs532183630, gnomAD 0.03%). This variant has not been reported in the literature in individuals affected with PROM1-related conditions. ClinVar contains an entry for this variant (Variation ID: 1006643). Invitae Evidence Modeling of protein sequence and biophysical properties (such as structural, functional, and spatial information, amino acid conservation, physicochemical variation, residue mobility, and thermodynamic stability) indicates that this missense variant is expected to disrupt PROM1 protein function with a positive predictive value of 80%. In summary, the available evidence is currently insufficient to determine the role of this variant in disease. Therefore, it has been classified as a Variant of Uncertain Significance.

Blueprint Genetics
Classification: Uncertain significance. Last evaluated: 2024-10-02. Review status: criteria provided, single submitter. Criteria: ACMG Guidelines, 2015. Collection method: clinical testing. Allele origin: germline.

NM_006017.3(PROM1):c.661A>C (p.Thr221Pro)

Gene: PROM1 (prominin 1; minus strand). Cytogenetic location: 4p15.32.
Variant type: single nucleotide variant.
Coding change: c.661A>C on transcript NM_006017.3 (MANE Select); coding-DNA position 661, A replaced by C.
Protein change: p.Thr221Pro; replaces threonine 221 with proline.
Molecular consequence: missense variant.
Genome position (GRCh38, 1-based): chr4:16,024,328, T>G on the plus strand (A>C on the coding strand, the complement: PROM1 is on the minus strand). VCF-style: chr4-16024328-T-G. GRCh37 (hg19) VCF-style: chr4-16025951-T-G.
Other names: c.634A>C, p.Thr212Pro (NM_001145847.2, NM_001145848.2, NM_001145851.2 and 4 more transcripts); c.661A>C, p.Thr221Pro (NM_001145849.2, NM_001145850.2); c.661A>C (NM_006017.2); short protein forms T212P, T221P.
Identifiers: ClinVar variation 1006643 (VCV001006643.10), dbSNP rs532183630, ClinGen allele CA2867007.